The following is an entry in ClinVar:

ClinVar aggregate classification (germline): Uncertain significance (1 of 4 stars; one submission).

Submission:

Women's Health and Genetics/Laboratory Corporation of America, LabCorp
Classification: Uncertain significance. Last evaluated: 2022-12-21. Review status: criteria provided, single submitter. Criteria: LabCorp Variant Classification Summary - May 2015. Collection method: clinical testing. Allele origin: germline.
Comment: Variant summary: PHIP c.440-15T>C alters a non-conserved nucleotide located close to a canonical splice site and therefore could affect mRNA splicing, leading to a significantly altered protein sequence. 4/4 computational tools predict no significant impact on normal splicing. However, these predictions have yet to be confirmed by functional studies. The variant was absent in 238038 control chromosomes. The available data on variant occurrences in the general population are insufficient to allow any conclusion about variant significance. To our knowledge, no occurrence of c.440-15T>C in individuals affected with Developmental Delay, Intellectual Disability, Obesity, And Dysmorphic Features and no experimental evidence demonstrating its impact on protein function have been reported. No clinical diagnostic laboratories have submitted clinical-significance assessments for this variant to ClinVar after 2014. Based on the evidence outlined above, the variant was classified as uncertain significance.

NM_017934.7(PHIP):c.440-15T>C

Gene: PHIP (PHIP subunit of CUL4-Ring ligase complex; minus strand). Cytogenetic location: 6q14.1.
Variant type: single nucleotide variant.
Coding change: c.440-15T>C on transcript NM_017934.7 (MANE Select); 15 bases into the intron before coding-DNA position 440, T replaced by C.
Molecular consequence: intron variant.
Genome position (GRCh38, 1-based): chr6:79,043,018, A>G on the plus strand (T>C on the coding strand, the complement: PHIP is on the minus strand). VCF-style: chr6-79043018-A-G. GRCh37 (hg19) VCF-style: chr6-79752735-A-G.
Identifiers: ClinVar variation 1878359 (VCV001878359.1), dbSNP rs2482269751, ClinGen allele CA2580075876.
Genomic context (GRCh38, chr6:79,043,018, plus strand): 5'-TCAAGTCTGTATTTCCCATTCAGCTTCCTTGAAAACAGAGTATCCGCTACCAAGAAAAAG[A>G]AGGAAAATAAATGTAATCTGGAAATTAATTTTCTTACATGATCACCTTTTAAGAATTCAC-3'